The following is an entry in ClinVar:

NM_004104.5(FASN):c.2880G>A (p.Gln960=)

Gene: FASN (fatty acid synthase; minus strand). Cytogenetic location: 17q25.3.
Variant type: single nucleotide variant.
Coding change: c.2880G>A on transcript NM_004104.5 (MANE Select); coding-DNA position 2880, G replaced by A.
Protein change: p.Gln960=; no amino-acid change (glutamine 960 retained).
Molecular consequence: synonymous variant.
Genome position (GRCh38, 1-based): chr17:82,087,848, C>T on the plus strand (G>A on the coding strand, the complement: FASN is on the minus strand). VCF-style: chr17-82087848-C-T. GRCh37 (hg19) VCF-style: chr17-80045724-C-T.
Identifiers: ClinVar variation 2829590 (VCV002829590.3), dbSNP rs2509837799, ClinGen allele CA502432668.

ClinVar aggregate classification (germline): Uncertain significance (1 of 4 stars; one submission).

Conditions:
Epileptic encephalopathy. Identifiers: MedGen C0543888, HP:0200134.

Allele frequency attached by ClinVar (database versions not stated): gnomAD exomes below 0.00001.
gnomAD v4.1: 1 of 1,612,644 alleles (0.000062%); highest among the groups gnomAD compares: South Asian, 0.0011%; no homozygotes.

Submission:

Labcorp Genetics (formerly Invitae), Labcorp
Classification: Uncertain significance for Epileptic encephalopathy. Last evaluated: 2023-02-25. Review status: criteria provided, single submitter. Criteria: Invitae Variant Classification Sherloc (09022015). Collection method: clinical testing. Allele origin: germline.
Comment: This sequence change affects codon 960 of the FASN mRNA. It is a 'silent' change, meaning that it does not change the encoded amino acid sequence of the FASN protein. This variant is not present in population databases (gnomAD no frequency). This variant has not been reported in the literature in individuals affected with FASN-related conditions. Algorithms developed to predict the effect of sequence changes on RNA splicing suggest that this variant may create or strengthen a splice site. In summary, the available evidence is currently insufficient to determine the role of this variant in disease. Therefore, it has been classified as a Variant of Uncertain Significance.